The following is an entry in ClinVar:

ClinVar aggregate classification (germline): Uncertain significance (1 of 4 stars; one submission).

Conditions:
Tuberous sclerosis 2 (TSC2). Identifiers: Orphanet 805, MedGen C1860707, MONDO:0013199, OMIM 613254.

Submission:

Labcorp Genetics (formerly Invitae), Labcorp
Classification: Uncertain significance for Tuberous sclerosis 2. Last evaluated: 2023-06-02. Review status: criteria provided, single submitter. Criteria: Invitae Variant Classification Sherloc (09022015). Collection method: clinical testing. Allele origin: germline.
Comment: In summary, the available evidence is currently insufficient to determine the role of this variant in disease. Therefore, it has been classified as a Variant of Uncertain Significance. Variants that disrupt the consensus splice site are a relatively common cause of aberrant splicing (PMID: 17576681, 9536098). Algorithms developed to predict the effect of sequence changes on RNA splicing suggest that this variant is not likely to affect RNA splicing. This variant has not been reported in the literature in individuals affected with TSC2-related conditions. This variant is not present in population databases (gnomAD no frequency). This sequence change falls in intron 33 of the TSC2 gene. It does not directly change the encoded amino acid sequence of the TSC2 protein. It affects a nucleotide within the consensus splice site.

Literature cited by the submitters: PubMed 17576681; PubMed 9536098.

NM_000548.5(TSC2):c.4005+3G>C

Gene: TSC2 (TSC complex subunit 2; plus strand). Cytogenetic location: 16p13.3.
Variant type: single nucleotide variant.
Coding change: c.4005+3G>C on transcript NM_000548.5 (MANE Select); 3 bases into the intron after coding-DNA position 4005, G replaced by C.
Molecular consequence: intron variant.
Genome position (GRCh38, 1-based): chr16:2,083,819, G>C. VCF-style: chr16-2083819-G-C. GRCh37 (hg19) VCF-style: chr16-2133820-G-C.
Other names: c.2463+3G>C (NM_001406693.1, NM_001406692.1, NM_001406694.1); c.3897+3G>C (NM_001406667.1); c.3894+3G>C (NM_001406668.1); c.3405+3G>C (NM_001406680.1); c.3336+3G>C (NM_001406683.1, NM_001406682.1); c.3204+3G>C (NM_001406687.1, NM_001406688.1); c.2592+3G>C (NM_001406689.1); c.2532+3G>C (NM_001406690.1); and 26 more.
Identifiers: ClinVar variation 2756041 (VCV002756041.3), dbSNP rs2151514353, ClinGen allele CA2697549573.